The following is an entry in ClinVar:

ClinVar aggregate classification (germline): Uncertain significance (1 of 4 stars; one submission).

Conditions:
COG5-congenital disorder of glycosylation. Also called: CDG IIi; COG5-CDG; CONGENITAL DISORDER OF GLYCOSYLATION, TYPE IIi. Identifiers: Orphanet 263487, MedGen C3150876, MONDO:0013325, OMIM 613612.

Allele frequency attached by ClinVar (database versions not stated): gnomAD exomes below 0.00001; gnomAD 0.00001; TOPMed 0.00001.
gnomAD v4.1: 2 of 1,613,674 alleles (0.00012%); highest among the groups gnomAD compares: Non-Finnish European, 0.00017%; no homozygotes.

Submission:

Labcorp Genetics (formerly Invitae), Labcorp
Classification: Uncertain significance for COG5-congenital disorder of glycosylation. Last evaluated: 2022-07-01. Review status: criteria provided, single submitter. Criteria: Invitae Variant Classification Sherloc (09022015). Collection method: clinical testing. Allele origin: germline.
Comment: In summary, the available evidence is currently insufficient to determine the role of this variant in disease. Therefore, it has been classified as a Variant of Uncertain Significance. Algorithms developed to predict the effect of missense changes on protein structure and function (SIFT, PolyPhen-2, Align-GVGD) all suggest that this variant is likely to be tolerated. This variant has not been reported in the literature in individuals affected with COG5-related conditions. This variant is present in population databases (no rsID available, gnomAD 0.007%). This sequence change replaces valine, which is neutral and non-polar, with isoleucine, which is neutral and non-polar, at codon 87 of the COG5 protein (p.Val87Ile).

NM_006348.5(COG5):c.166G>A (p.Val56Ile)

Gene: COG5 (component of oligomeric golgi complex 5; minus strand). Cytogenetic location: 7q22.3.
Variant type: single nucleotide variant.
Coding change: c.166G>A on transcript NM_006348.5 (MANE Select); coding-DNA position 166, G replaced by A.
Protein change: p.Val56Ile; replaces valine 56 with isoleucine.
Molecular consequence: missense variant.
Genome position (GRCh38, 1-based): chr7:107,558,044, C>T on the plus strand (G>A on the coding strand, the complement: COG5 is on the minus strand). VCF-style: chr7-107558044-C-T. GRCh37 (hg19) VCF-style: chr7-107198489-C-T.
Other names: c.166G>A, p.Val56Ile (NM_001161520.2, NM_001379511.1, NM_001379512.1 and 5 more transcripts); short protein forms V56I.
Identifiers: ClinVar variation 2062048 (VCV002062048.4), dbSNP rs1003121441, ClinGen allele CA164169447.